The following is an entry in ClinVar:

ClinVar aggregate classification (germline): Likely pathogenic. Review status: criteria provided, single submitter (1 of 4 stars). 2 submissions from 2 submitters: Likely pathogenic (1). 1 of the submissions does not count toward it. Last evaluated 2021-04-20.

Conditions:
Oocyte maturation defect 8. Also called: OOCYTE/ZYGOTE/EMBRYO MATURATION ARREST 8. Identifiers: MedGen C5436597, MONDO:0033564, OMIM 619009.

Submissions (2):

SIB Swiss Institute of Bioinformatics
Classification: Likely pathogenic for Oocyte maturation defect 8. Last evaluated: 2021-04-20. Review status: criteria provided, single submitter. Criteria: ACMG Guidelines, 2015. Collection method: curation. Allele origin: unknown.
Comment: This variant is interpreted as likely pathogenic for Oocyte maturation defect 8, autosomal recessive. The following ACMG Tag(s) were applied: Absent from controls (or at extremely low frequency if recessive) in Exome Sequencing Project, 1000 Genomes Project, or Exome Aggregation Consortium (PM2); Predicted nullvariant in a gene where LOF is a known mechanism of disease (PVS1).

OMIM
Classification: Pathogenic for OOCYTE/ZYGOTE/EMBRYO MATURATION ARREST 8. Last evaluated: 2023-04-10. Review status: no assertion criteria provided. Collection method: literature only. Allele origin: germline. Not counted in ClinVar's aggregate classification.

Literature cited by the submitters: PubMed 32502391 (cited by SIB Swiss Institute of Bioinformatics and OMIM).

NM_001367975.1(BTG4):c.73C>T (p.Gln25Ter)

Gene: BTG4 (BTG anti-proliferation factor 4; minus strand). Cytogenetic location: 11q23.1.
Variant type: single nucleotide variant.
Coding change: c.73C>T on transcript NM_001367975.1 (MANE Select); coding-DNA position 73, C replaced by T.
Protein change: p.Gln25Ter; replaces glutamine 25 with a stop codon.
Molecular consequence: nonsense.
Genome position (GRCh38, 1-based): chr11:111,498,704, G>A on the plus strand (C>T on the coding strand, the complement: BTG4 is on the minus strand). VCF-style: chr11-111498704-G-A. GRCh37 (hg19) VCF-style: chr11-111369429-G-A.
Other names: c.73C>T, p.Gln25Ter (NM_001367974.1, NM_001367976.1, NM_017589.4); short protein forms Q25*.
Identifiers: ClinVar variation 977515 (VCV000977515.3), dbSNP rs1865886567, ClinGen allele CA382581049.